The following is an entry in ClinVar:

ClinVar aggregate classification (germline): Conflicting classifications of pathogenicity. Review status: criteria provided, conflicting classifications (1 of 4 stars). 2 submissions from 2 submitters: Uncertain significance (1); Likely benign (1). Last evaluated 2025-10-28.

Conditions:
Familial adenomatous polyposis 1 (FAP1). Also called: FAMILIAL ADENOMATOUS POLYPOSIS 1, ATTENUATED; POLYPOSIS, ADENOMATOUS INTESTINAL. Identifiers: MedGen C2713442, MONDO:0021056, OMIM 175100. Disease mechanism: loss of function.

Allele frequency attached by ClinVar (database versions not stated): gnomAD exomes 0.00001 and 0.00002; gnomAD 0.00001; TOPMed 0.00001.
gnomAD v4.1: 13 of 1,367,922 alleles (0.00095%); highest among the groups gnomAD compares: Non-Finnish European, 0.0012%; no homozygotes.

Submissions (2):

Labcorp Genetics (formerly Invitae), Labcorp
Classification: Uncertain significance for Familial adenomatous polyposis 1. Last evaluated: 2025-10-28. Review status: criteria provided, single submitter. Criteria: Invitae Variant Classification Sherloc (09022015). Collection method: clinical testing. Allele origin: germline.
Comment: This variant occurs in a non-coding region of the APC gene. It does not change the encoded amino acid sequence of the APC protein. This variant is present in population databases (rs765384591, gnomAD 0.006%). This variant has not been reported in the literature in individuals affected with APC-related conditions. ClinVar contains an entry for this variant (Variation ID: 537634). Experimental studies and prediction algorithms are not available or were not evaluated, and the functional significance of this variant is currently unknown. In summary, the available evidence is currently insufficient to determine the role of this variant in disease. Therefore, it has been classified as a Variant of Uncertain Significance.

Center for Genomic Medicine, Rigshospitalet, Copenhagen University Hospital
Classification: Likely benign. Last evaluated: 2025-03-04. Review status: criteria provided, single submitter. Criteria: ACMG Guidelines, 2015. Collection method: clinical testing. Allele origin: germline.

NM_001127511.3(APC):c.165+3G>T

Gene: APC (APC regulator of Wnt signaling pathway; plus strand). Cytogenetic location: 5q22.2.
Variant type: single nucleotide variant.
Coding change: c.165+3G>T on transcript NM_001127511.3; 3 bases into the intron after coding-DNA position 165, G replaced by T.
Molecular consequence: intron variant.
Genome position (GRCh38, 1-based): chr5:112,707,885, G>T. VCF-style: chr5-112707885-G-T. GRCh37 (hg19) VCF-style: chr5-112043582-G-T.
Other names: c.-1054+3G>T (NM_001407470.1, NM_001407472.1); c.-19+3G>T (NM_001407447.1, NM_001354895.2, NM_001407456.1 and 3 more transcripts); c.165+3G>T (NM_001407446.1, NM_001354897.2, NM_001354902.2); c.-19+236G>T (NM_001407448.1, NM_001407450.1, NM_001407457.1 and 1 more transcripts); c.-43+236G>T (NM_001407453.1).
Identifiers: ClinVar variation 537634 (VCV000537634.13), dbSNP rs765384591, ClinGen allele CA124925282.